The following is an entry in ClinVar:

ClinVar aggregate classification (germline): Likely benign (1 of 4 stars; one submission).

Conditions:
BBS7-related disorder. Also called: BBS7-related condition.

gnomAD v4.1: 8 of 1,612,788 alleles (0.0005%); highest among the groups gnomAD compares: African/African-American, 0.0067%; no homozygotes.

Submission:

PreventionGenetics, part of Exact Sciences
Classification: Likely benign for BBS7-related condition. Last evaluated: 2026-03-22. Review status: criteria provided, single submitter. Criteria: ACMG Guidelines, 2015. Collection method: clinical testing. Allele origin: germline.
Comment: This variant is classified as likely benign based on ACMG/AMP sequence variant interpretation guidelines (Richards et al. 2015 PMID: 25741868, with internal and published modifications).

NM_176824.3(BBS7):c.*2A>G

Gene: BBS7 (Bardet-Biedl syndrome 7; minus strand). Cytogenetic location: 4q27.
Variant type: single nucleotide variant.
Coding change: c.*2A>G on transcript NM_176824.3 (MANE Select); 2 bases downstream of the stop codon, A replaced by G.
Molecular consequence: 3 prime UTR variant.
Genome position (GRCh38, 1-based): chr4:121,825,858, T>C on the plus strand (A>G on the coding strand, the complement: BBS7 is on the minus strand). VCF-style: chr4-121825858-T-C. GRCh37 (hg19) VCF-style: chr4-122747013-T-C.
Identifiers: ClinVar variation 4987239 (VCV004987239.1).